The following is an entry in ClinVar:

NM_003482.4(KMT2D):c.11971C>T (p.Gln3991Ter)

Gene: KMT2D (lysine methyltransferase 2D; minus strand). Cytogenetic location: 12q13.12.
Variant type: single nucleotide variant.
Coding change: c.11971C>T on transcript NM_003482.4 (MANE Select); coding-DNA position 11971, C replaced by T.
Protein change: p.Gln3991Ter; replaces glutamine 3991 with a stop codon.
Molecular consequence: nonsense.
Genome position (GRCh38, 1-based): chr12:49,032,734, G>A on the plus strand (C>T on the coding strand, the complement: KMT2D is on the minus strand). VCF-style: chr12-49032734-G-A. GRCh37 (hg19) VCF-style: chr12-49426517-G-A.
Other names: short protein forms Q3991*.
Identifiers: ClinVar variation 646335 (VCV000646335.6), dbSNP rs1592118953, ClinGen allele CA384713706.

ClinVar aggregate classification (germline): Pathogenic (1 of 4 stars; one submission).

Conditions:
Kabuki syndrome. Also called: NIIKAWA-KUROKI SYNDROME; Kabuki make-up syndrome. Identifiers: Orphanet 2322, MedGen C0796004, MONDO:0016512.

Submission:

Labcorp Genetics (formerly Invitae), Labcorp
Classification: Pathogenic for Kabuki syndrome. Last evaluated: 2018-10-04. Review status: criteria provided, single submitter. Criteria: Invitae Variant Classification Sherloc (09022015). Collection method: clinical testing. Allele origin: germline.
Comment: This sequence change creates a premature translational stop signal (p.Gln3991*) in the KMT2D gene. It is expected to result in an absent or disrupted protein product. This variant is not present in population databases (ExAC no frequency). This variant has not been reported in the literature in individuals with KMT2D-related disease. Loss-of-function variants in KMT2D are known to be pathogenic (PMID: 22126750). For these reasons, this variant has been classified as Pathogenic.

Literature cited by the submitters: PubMed 22126750.